The following continues an entry in ClinVar:

NM_000432.4(MYL2):c.173G>A (p.Arg58Gln)

Gene: MYL2. ClinVar aggregate classification (germline): Pathogenic/Likely pathogenic. Pathogenic (14); Likely pathogenic (1).

Submissions 7 to 19 of 19:

ARUP Laboratories, Molecular Genetics and Genomics, ARUP Laboratories
Classification: Pathogenic. Last evaluated: 2024-04-25. Review status: criteria provided, single submitter. Criteria: ARUP Molecular Germline Variant Investigation Process 2024. Collection method: clinical testing. Allele origin: germline.
Comment: The MYL2 c.173G>A; p.Arg58Gln variant (rs104894369), is reported in the literature in many individuals affected with hypertrophic cardiomyopathy (HCM) or from HCM cohorts, and segregated with disease in several affected relatives from multiple families (Burstein 2021, Flavigny 1998, Hathaway 2021, Jaaskelainen 2019, Kabaeva 2002, Li 2015, McGurk 2023, Morner 2003, O'Hare 2020, Olivotto 2011, Richard 2003, Stava 2022, Teramoto 2018, Walsh 2017, Yin 2019). This variant is reported in ClinVar (Variation ID: 14067). This variant is only observed on two alleles in the Genome Aggregation Database (v2.1.1), indicating it is not a common polymorphism. Multiple functional analyses show affected function of MYL2: abolished calcium binding when nonphosphorylated, increased calcium sensitivity of myofibrillar ATPase activity, altered contraction kinetics of cardiac muscle, and altered cross-bridge kinetics (Greenberg 2009, Greenberg 2010, Mettikolla 2011, Szczesna 2001, Szczesna-Cordary 2004, Wang 2013). Computational analyses are uncertain whether this variant is neutral or deleterious (REVEL: 0.571). Based on available information, this variant is considered to be pathogenic. References: Burstein DS et al. Genetic variant burden and adverse outcomes in pediatric cardiomyopathy. Pediatr Res. 2021 May;89(6):1470-1476. PMID: 32746448. Flavigny J et al. Identification of two novel mutations in the ventricular regulatory myosin light chain gene (MYL2) associated with familial and classical forms of hypertrophic cardiomyopathy. J Mol Med (Berl). 1998 Mar;76(3-4):208-14. PMID: 9535554. Greenberg MJ et al. Cardiomyopathy-linked myosin regulatory light chain mutations disrupt myosin strain-dependent biochemistry. Proc Natl Acad Sci U S A. 2010 Oct 5;107(40):17403-8. PMID: 20855589. Greenberg MJ et al. Regulatory light chain mutations associated with cardiomyopathy affect myosin mechanics and kinetics. J Mol Cell Cardiol. 2009 Jan;46(1):108-15. PMID: 18929571. Hathaway J et al. Diagnostic yield of genetic testing in a heterogeneous cohort of 1376 HCM patients. BMC Cardiovasc Disord. 2021 Mar 5;21(1):126. PMID: 33673806. Jaaskelainen P et al. Genetic basis and outcome in a nationwide study of Finnish patients with hypertrophic cardiomyopathy. ESC Heart Fail. 2019 Apr;6(2):436-445. PMID: 30775854. Kabaeva ZT et al. Systematic analysis of the regulatory and essential myosin light chain genes: genetic variants and mutations in hypertrophic cardiomyopathy. Eur J Hum Genet. 2002 Nov;10(11):741-8. PMID: 12404107. Li MH et al. Utility and limitations of exome sequencing as a genetic diagnostic tool for conditions associated with pediatric sudden cardiac arrest/sudden cardiac death. Hum Genomics. 2015 Jul 19;9(1):15. PMID: 26187847. McGurk KA et al. The penetrance of rare variants in cardiomyopathy-associated genes: A cross-sectional approach to estimating penetrance for secondary findings. Am J Hum Genet. 2023 Sep 7;110(9):1482-1495. PMID: 37652022. Mettikolla P et al. Cross-bridge kinetics in myofibrils containing familial hypertrophic cardiomyopathy R58Q mutation in the regulatory light chain of myosin. J Theor Biol. 2011 Sep 7;284(1):71-81. PMID: 21723297. Morner S et al. Identification of the genotypes causing hypertrophic cardiomyopathy in northern Sweden. J Mol Cell Cardiol. 2003 Jul;35(7):841-9. PMID: 12818575. O'Hare BJ et al. Patients With Hypertrophic Cardiomyopathy Deemed Genotype Negative Based on Research Grade Genetic Analysis: Time for Repeat Diagnostic Testing With Next-Generation Sequencing. Circ Genom Precis Med. 2020 Dec;13(6):e003013. PMID: 33190526. Olivotto I et al. Microvascular function is selectively impaired in patients with hypertrophic cardiomyopathy and sarcomere myofilament gene mutations. J Am Coll Cardiol. 2011 Aug 16;58(8):839-48. PMID: 21835320. Richard P et al. Hypertrophic cardiomyopathy: distribution of disease genes, spectrum of mutations, and implications for a molecular diagnosis strategy. Circulation. 2003 May 6;107(17):2227-32. PMID: 12707239. Stava TT et al. Molecular genetics in 4408 cardiomyopathy probands and 3008 relatives in Norway: 17 years of genetic testing in a national laboratory. Eur J Prev Cardiol. 2022 Oct 18;29(13):1789-1799. PMID: 35653365. Szczesna D et al. Familial hypertrophic cardiomyopathy mutations in the regulatory light chains of myosin affect their structure, Ca2+ binding, and phosphorylation. J Biol Chem. 2001 Mar 9;276(10):7086-92. PMID: 11102452. Szczesna-Cordary D et al. Familial hypertrophic cardiomyopathy-linked alterations in Ca2+ binding of human cardiac myosin regulatory light chain affect cardiac muscle contraction. J Biol Chem. 2004 Jan 30;279(5):3535-42. PMID: 14594949. Teramoto R et al. Late Gadolinium Enhancement for Prediction of Mutation-Positive Hypertrophic Cardiomyopathy on the Basis of Panel-Wide Sequencing. Circ J. 2018 Mar 23;82(4):1139-1148. PMID: 29398688. Walsh R et al. Reassessment of Mendelian gene pathogenicity using 7,855 cardiomyopathy cases and 60,706 reference samples. Genet Med. 2017 Feb;19(2):192-203. PMID: 27532257. Wang L et al. Diversity and similarity of motor function and cross-bridge kinetics in papillary muscles of transgenic mice carrying myosin regulatory light chain mutations D166V and R58Q. J Mol Cell Cardiol. 2013 Sep;62:153-63. PMID: 23727233. Yin K et al. The co-segregation of the MYL2 R58Q mutation in Chinese hypertrophic cardiomyopathy family and its pathological effect on cardiomyopathy disarray. Mol Genet Genomics. 2019 Oct;294(5):1241-1249. PMID: 31104103.

Blueprint Genetics
Classification: Pathogenic for MYL2-related disorders. Last evaluated: 2023-11-22. Review status: criteria provided, single submitter. Criteria: ACMG Guidelines, 2015. Collection method: clinical testing. Allele origin: germline. Affected: yes. Observed: 5 variant alleles.

Clinical Genetics Laboratory, Skane University Hospital Lund
Classification: Pathogenic. Last evaluated: 2023-06-15. Review status: criteria provided, single submitter. Criteria: ACMG Guidelines, 2015. Collection method: clinical testing. Allele origin: germline. Affected: yes.

GeneDx
Classification: Pathogenic. Last evaluated: 2022-06-13. Review status: criteria provided, single submitter. Criteria: GeneDx Variant Classification Process June 2021. Collection method: clinical testing. Allele origin: germline. Affected: yes.
Comment: Not observed at significant frequency in large population cohorts (gnomAD); In silico analysis supports that this missense variant does not alter protein structure/function; Published functional studies demonstrate a damaging effect as the p.(R58Q) residue is in a calcium binding site within the human cardiac regulatory light chain; p.(R58Q) eliminates normal calcium binding and increases the calcium sensitivity of myofibrillar ATPase (Szczesna et al., 2001; Szczesna-Cordary et al., 2004; Greenberg et al., 2009; Wang et al., 2013); This variant is associated with the following publications: (PMID: 18929571, 26187847, 26914223, 12404107, 24111713, 25351510, 21723297, 11102452, 23727233, 20855589, 12707239, 21310275, 9535554, 12818575, 27532257, 28166811, 29452157, 29398688, 21835320, 16837010, 26116789, 23283745, 19150977, 30775854, 31104103, 30430732, 29710196, 33673806, 14594949, 34310159, 30796699, 33190526, 32746448, 33731536, 33919432, 26582918)

CHEO Genetics Diagnostic Laboratory, Children's Hospital of Eastern Ontario
Classification: Pathogenic for Cardiomyopathy. Last evaluated: 2021-03-25. Review status: criteria provided, single submitter. Criteria: ACMG Guidelines, 2015. Collection method: clinical testing. Allele origin: germline.

Laboratory for Molecular Medicine, Mass General Brigham Personalized Medicine
Classification: Pathogenic for Hypertrophic cardiomyopathy. Last evaluated: 2018-01-24. Review status: criteria provided, single submitter. Criteria: LMM Criteria. Collection method: clinical testing. Allele origin: germline. Inheritance: Autosomal dominant inheritance. Observed: 15 variant alleles.
Comment: The p.Arg58Gln variant in MYL2 has been reported in at least 16 individuals with HCM and segregated with disease in 11 affected relatives from 6 families (Flavi gny 1998, Kabaeva 2002, Morner 2003, Olivotto 2011, Li 2015, Walsh 2016, LMM dat a). It has also been identified in 2/22298 Finnish chromosomes by the Genome Agg regation Database (gnomAD; dbSNP rs104894369). T his variant was predicted to be pathogenic using a computational tool clinically validated by our laboratory. This tool's pathogenic prediction is estimated to be correct 94% of the time (Jordan 2011). In vitro functional studies provide so me evidence that the p.Arg58Gln variant may impact protein function (Szczesna 20 01,Szczesna-Cordary 2004, Greenberg 2009, Greenberg 2010, Mettikolla 2011, Wang 2013). In summary, this variant meets criteria to be classified as pathogenic fo r HCM in an autosomal dominant manner. ACMG/AMP Criteria applied: PS4; PP1_Stron g; PM2; PS3_Moderate; PP3.

Fulgent Genetics
Classification: Pathogenic for Hypertrophic cardiomyopathy 10. Last evaluated: 2017-05-18. Review status: criteria provided, single submitter. Criteria: ACMG Guidelines, 2015. Collection method: clinical testing. Allele origin: unknown.

Stanford Center for Inherited Cardiovascular Disease, Stanford University
Classification: Likely pathogenic. Last evaluated: 2015-02-03. Review status: criteria provided, single submitter. Criteria: ACMG Guidelines, 2015. Collection method: provider interpretation. Allele origin: germline.

Clinical Genetics Service, Universitary Hospital 12 de Octubre
Classification: Pathogenic for Hypertrophic cardiomyopathy 10. Review status: criteria provided, single submitter. Criteria: ACMG Guidelines, 2015. Collection method: clinical testing. Allele origin: germline. Affected: yes.

Leiden Muscular Dystrophy (MYL2)
No classification provided. Condition: Familial hypertrophic cardiomyopathy 10. Last evaluated: 2012-03-26. Review status: no classification provided. Collection method: curation. Allele origin: germline. Not counted in ClinVar's aggregate classification.

OMIM
Classification: Pathogenic for CARDIOMYOPATHY, FAMILIAL HYPERTROPHIC, 10. Last evaluated: 2002-11-01. Review status: no assertion criteria provided. Collection method: literature only. Allele origin: germline. Not counted in ClinVar's aggregate classification.

Clinical Genetics DNA and cytogenetics Diagnostics Lab, Erasmus MC, Erasmus Medical Center
Classification: Pathogenic. Review status: no assertion criteria provided. Collection method: clinical testing. Allele origin: germline. Affected: yes. Study: VKGL Data-share Consensus. Not counted in ClinVar's aggregate classification.

Clinical Genetics, Academic Medical Center
Classification: Pathogenic. Review status: no assertion criteria provided. Collection method: clinical testing. Allele origin: germline. Affected: yes. Study: VKGL Data-share Consensus. Not counted in ClinVar's aggregate classification.

Literature cited by the submitters: PubMed 9535554 (cited by 6 submitters); PubMed 12404107 (cited by 5 submitters); PubMed 12818575 (cited by 4 submitters); PubMed 23283745 (cited by Labcorp Genetics (formerly Invitae), Labcorp and Ambry Genetics); PubMed 24111713 (cited by 3 submitters); PubMed 14594949 (cited by 4 submitters); PubMed 19150977 (cited by 4 submitters); PubMed 20855589 (cited by 3 submitters); PubMed 21723297 (cited by 3 submitters); PubMed 23727233 (cited by 3 submitters); PubMed 26116789 (cited by Labcorp Genetics (formerly Invitae), Labcorp); PubMed 24793961 (cited by 3billion); PubMed 11102452 (cited by Ambry Genetics and Laboratory for Molecular Medicine, Mass General Brigham Personalized Medicine); PubMed 12707239 (cited by Ambry Genetics); PubMed 16837010 (cited by Ambry Genetics and Illumina Laboratory Services, Illumina); PubMed 18929571 (cited by Ambry Genetics and Laboratory for Molecular Medicine, Mass General Brigham Personalized Medicine); PubMed 21835320 (cited by Ambry Genetics and Laboratory for Molecular Medicine, Mass General Brigham Personalized Medicine); PubMed 25351510 (cited by Ambry Genetics); PubMed 26187847 (cited by Ambry Genetics and Laboratory for Molecular Medicine, Mass General Brigham Personalized Medicine); PubMed 26906074 (cited by Ambry Genetics); PubMed 27532257 (cited by Ambry Genetics and Laboratory for Molecular Medicine, Mass General Brigham Personalized Medicine); PubMed 29398688 (cited by Ambry Genetics); PubMed 29452157 (cited by Ambry Genetics); PubMed 29710196 (cited by Ambry Genetics); PubMed 30365366 (cited by Ambry Genetics); PubMed 30430732 (cited by Ambry Genetics); PubMed 30706179 (cited by Ambry Genetics); PubMed 30775854 (cited by Ambry Genetics); PubMed 30796699 (cited by Ambry Genetics); PubMed 31104103 (cited by Ambry Genetics); PubMed 32746448 (cited by Ambry Genetics); PubMed 33190526 (cited by Ambry Genetics); PubMed 26914223 (cited by Laboratory for Molecular Medicine, Mass General Brigham Personalized Medicine).